The following is an entry in ClinVar:

ClinVar aggregate classification (germline): Uncertain significance. Review status: reviewed by expert panel (3 of 4 stars). 5 submissions from 5 submitters: Uncertain significance (1). 4 of the submissions do not count toward it. Last evaluated 2019-09-27.

Conditions:
Phenylketonuria (PKU). Also called: Phenylketonuria (PKU); FOLLING DISEASE; OLIGOPHRENIA PHENYLPYRUVICA; Phenylketonurias. Identifiers: Orphanet 716, MedGen C0031485, MONDO:0009861, OMIM 261600. Disease mechanism: loss of function.

Allele frequency attached by ClinVar (database versions not stated): ESP Exome Variant Server 0.00008; gnomAD exomes 0.00012 and 0.00018; TOPMed 0.00015; ExAC 0.00015; gnomAD 0.00015 and 0.00014; 1000 Genomes Project 30x 0.00031; 1000 Genomes Project 0.00040.
gnomAD v4.1: 211 of 1,607,600 alleles (0.013%); highest among the groups gnomAD compares: Middle Eastern, 0.48%; 2 homozygotes.

Submissions (5):

ClinGen PAH Variant Curation Expert Panel
Classification: Uncertain significance for Phenylketonuria. Last evaluated: 2019-09-27. Review status: reviewed by expert panel. Criteria: ClinGen PAH ACMG Specifications v1. Collection method: curation. Allele origin: germline. Inheritance: Autosomal recessive inheritance.
Comment: The c.442-18G>A variant in PAH has not been reported in the literature to our knowledge. This variant has a MAF of 0.00067 in the gnomAD Latino population. This is too high for PM2, but too low for BS1 per PAH EP guidelines. No splicing impact is predicted in HSF or MaxEnt (BP7). In summary, this variant meets criteria to be classified as uncertain significance for PAH. PAH-specific ACMG/AMP criteria applied: BP7.

Labcorp Genetics (formerly Invitae), Labcorp
Classification: Likely benign for Phenylketonuria. Last evaluated: 2026-01-05. Review status: criteria provided, single submitter. Criteria: Invitae Variant Classification Sherloc (09022015). Collection method: clinical testing. Allele origin: germline. Not counted in ClinVar's aggregate classification.

Blueprint Genetics
Classification: Likely benign. Last evaluated: 2024-11-25. Review status: criteria provided, single submitter. Criteria: ACMG Guidelines, 2015. Collection method: clinical testing. Allele origin: germline. Not counted in ClinVar's aggregate classification.

Quest Diagnostics Nichols Institute San Juan Capistrano
Classification: Uncertain significance. Last evaluated: 2017-04-19. Review status: criteria provided, single submitter. Criteria: Quest Diagnostics criteria. Collection method: clinical testing. Allele origin: germline. Not counted in ClinVar's aggregate classification.

Counsyl
Classification: Likely benign for Phenylketonuria. Last evaluated: 2016-12-28. Review status: no assertion criteria provided. Collection method: clinical testing. Allele origin: unknown. Not counted in ClinVar's aggregate classification.

NM_000277.3(PAH):c.442-18G>A

Gene: PAH (phenylalanine hydroxylase; minus strand). Cytogenetic location: 12q23.2.
Variant type: single nucleotide variant.
Coding change: c.442-18G>A on transcript NM_000277.3 (MANE Select); 18 bases into the intron before coding-DNA position 442, G replaced by A.
Molecular consequence: intron variant.
Genome position (GRCh38, 1-based): chr12:102,866,681, C>T on the plus strand (G>A on the coding strand, the complement: PAH is on the minus strand). VCF-style: chr12-102866681-C-T. GRCh37 (hg19) VCF-style: chr12-103260459-C-T.
Other names: c.442-18G>A (NM_001354304.2).
Identifiers: ClinVar variation 439227 (VCV000439227.13), dbSNP rs149538764, ClinGen allele CA6748923.
Genomic context (GRCh38, chr12:102,866,681, plus strand): 5'-CAAACTGCTTCCGTCTTGCACGGTACACAGGATCTTTAAAACCCTAGGAGAAAAGAGACA[C>T]CTGATTTTTCAAGGCTTCATAGGAAGAGGTCTGGTACCTTTATGAATGCTTTGAATGGGG-3'